The following is an entry in ClinVar:

NM_006231.4(POLE):c.5220C>T (p.Leu1740=)

Gene: POLE (DNA polymerase epsilon, catalytic subunit; minus strand). Cytogenetic location: 12q24.33.
Variant type: single nucleotide variant.
Coding change: c.5220C>T on transcript NM_006231.4 (MANE Select); coding-DNA position 5220, C replaced by T.
Protein change: p.Leu1740=; no amino-acid change (leucine 1740 retained).
Molecular consequence: synonymous variant.
Genome position (GRCh38, 1-based): chr12:132,641,805, G>A on the plus strand (C>T on the coding strand, the complement: POLE is on the minus strand). VCF-style: chr12-132641805-G-A. GRCh37 (hg19) VCF-style: chr12-133218391-G-A.
Identifiers: ClinVar variation 484513 (VCV000484513.16), dbSNP rs746085748, ClinGen allele CA6892592.

ClinVar aggregate classification (germline): Likely benign. Review status: criteria provided, multiple submitters, no conflicts (2 of 4 stars). 3 submissions from 3 submitters: Likely benign (3). Last evaluated 2025-11-23.

Conditions:
Hereditary cancer-predisposing syndrome. Also called: Neoplastic Syndromes, Hereditary; Tumor predisposition; Hereditary Cancer Syndrome; Hereditary neoplastic syndrome. Identifiers: Orphanet 140162, MedGen C0027672, MeSH D009386, MONDO:0015356.

Allele frequency attached by ClinVar (database versions not stated): ExAC 0.00002; gnomAD exomes 0.00003; gnomAD 0.00007 and 0.00008; TOPMed 0.00011.
gnomAD v4.1: 18 of 1,604,604 alleles (0.0011%); highest among the groups gnomAD compares: African/African-American, 0.023%; no homozygotes.

Submissions (3):

Labcorp Genetics (formerly Invitae), Labcorp
Classification: Likely benign. Last evaluated: 2025-11-23. Review status: criteria provided, single submitter. Criteria: Invitae Variant Classification Sherloc (09022015). Collection method: clinical testing. Allele origin: germline.

GeneDx
Classification: Likely benign. Last evaluated: 2017-04-20. Review status: criteria provided, single submitter. Criteria: GeneDx Variant Classification (06012015). Collection method: clinical testing. Allele origin: germline. Affected: yes.
Comment: This variant is considered likely benign or benign based on one or more of the following criteria: it is a conservative change, it occurs at a poorly conserved position in the protein, it is predicted to be benign by multiple in silico algorithms, and/or has population frequency not consistent with disease.

Ambry Genetics
Classification: Likely benign for Hereditary cancer-predisposing syndrome. Last evaluated: 2016-11-18. Review status: criteria provided, single submitter. Criteria: Ambry Variant Classification Scheme 2023. Collection method: clinical testing. Allele origin: germline.